The following is an entry in ClinVar:

ClinVar aggregate classification (germline): Uncertain significance. Review status: criteria provided, multiple submitters, no conflicts (2 of 4 stars). 3 submissions from 3 submitters: Uncertain significance (2). 1 of the submissions does not count toward it. Last evaluated 2025-08-07.

Conditions:
Retinal dystrophy. Also called: Inherited retinal dystrophy. Identifiers: Orphanet 71862, MedGen C0854723, MeSH D058499, MONDO:0019118, HP:0000556.

Allele frequency attached by ClinVar (database versions not stated): gnomAD exomes 0.00010 and 0.00017; 1000 Genomes Project 0.00020; ExAC 0.00010; gnomAD 0.00011 and 0.00013; TOPMed 0.00014; 1000 Genomes Project 30x 0.00016; ESP Exome Variant Server 0.00008.

Submissions (3):

Labcorp Genetics (formerly Invitae), Labcorp
Classification: Uncertain significance. Last evaluated: 2025-08-07. Review status: criteria provided, single submitter. Criteria: Invitae Variant Classification Sherloc (09022015). Collection method: clinical testing. Allele origin: germline.
Comment: This sequence change replaces arginine, which is basic and polar, with glutamine, which is neutral and polar, at codon 129 of the GUCA1B protein (p.Arg129Gln). This variant is present in population databases (rs150562239, gnomAD 0.02%). This variant has not been reported in the literature in individuals affected with GUCA1B-related conditions. ClinVar contains an entry for this variant (Variation ID: 70460). An algorithm developed to predict the effect of missense changes on protein structure and function outputs the following: PolyPhen-2: "Benign". The glutamine amino acid residue is found in multiple mammalian species, which suggests that this missense change does not adversely affect protein function. In summary, the available evidence is currently insufficient to determine the role of this variant in disease. Therefore, it has been classified as a Variant of Uncertain Significance.

Eurofins Ntd Llc (ga)
Classification: Uncertain significance. Last evaluated: 2013-08-14. Review status: criteria provided, single submitter. Criteria: EGL Classification Definitions 2015. Collection method: clinical testing. Allele origin: germline. Observed: 1 variant allele, 1 heterozygote.

Institute of Human Genetics, Univ. Regensburg, Univ. Regensburg
Classification: Uncertain significance for Retinal dystrophy. Last evaluated: 2020-01-01. Review status: no assertion criteria provided. Criteria: ACMG Guidelines, 2015. Collection method: clinical testing. Allele origin: germline. Affected: yes. Not counted in ClinVar's aggregate classification.

NM_002098.6(GUCA1B):c.386G>A (p.Arg129Gln)

Gene: GUCA1B (guanylate cyclase activator 1B; minus strand). Cytogenetic location: 6p21.1.
Variant type: single nucleotide variant.
Coding change: c.386G>A on transcript NM_002098.6 (MANE Select); coding-DNA position 386, G replaced by A.
Protein change: p.Arg129Gln; replaces arginine 129 with glutamine.
Molecular consequence: missense variant.
Genome position (GRCh38, 1-based): chr6:42,185,769, C>T on the plus strand (G>A on the coding strand, the complement: GUCA1B is on the minus strand). VCF-style: chr6-42185769-C-T. GRCh37 (hg19) VCF-style: chr6-42153507-C-T.
Other names: short protein forms R129Q.
Identifiers: ClinVar variation 70460 (VCV000070460.51), dbSNP rs150562239, ClinGen allele CA221915.